The following is an entry in ClinVar:

Conditions:
Breast-ovarian cancer, familial, susceptibility to, 1 (BROVCA1). Also called: BRCA1 Hereditary Breast and Ovarian Cancer; OVARIAN CANCER, SUSCEPTIBILITY TO. Identifiers: Orphanet 145, MedGen C2676676, MONDO:0011450, OMIM 604370. Disease mechanism: loss of function.

Submission:

Brotman Baty Institute, University of Washington
No classification provided (evidence only). Condition: Breast-ovarian cancer, familial 1. Review status: no classification provided. Collection method: in vitro. Allele origin: not applicable. Functional consequence: functionally_normal.
ClinVar note: "not provided" was previously submitted as the classification for the variant. However, the classification appeared to be based only on an observation of functional data so it was converted to no classification on 2025-07-30.

NM_007294.4(BRCA1):c.5433G>T (p.Gln1811His)

Gene: BRCA1 (BRCA1 DNA repair associated; minus strand). Cytogenetic location: 17q21.31.
Variant type: single nucleotide variant.
Coding change: c.5433G>T on transcript NM_007294.4 (MANE Select); coding-DNA position 5433, G replaced by T.
Protein change: p.Gln1811His; replaces glutamine 1811 with histidine.
Molecular consequence: missense variant. On other transcripts: non-coding transcript variant (1).
Genome position (GRCh38, 1-based): chr17:43,047,677, C>A on the plus strand (G>T on the coding strand, the complement: BRCA1 is on the minus strand). VCF-style: chr17-43047677-C-A. GRCh37 (hg19) VCF-style: chr17-41199694-C-A.
Other names: c.5220G>T, p.Gln1740His (NM_001407571.1, NM_001407895.1, NM_001407896.1 and 12 more transcripts); c.5499G>T, p.Gln1833His (NM_001407581.1, NM_001407582.1); c.5496G>T, p.Gln1832His (NM_001407583.1, NM_001407585.1, NM_001407587.1 and 1 more transcripts); c.5493G>T, p.Gln1831His (NM_001407590.1, NM_001407591.1); c.5433G>T, p.Gln1811His (NM_001407593.1, NM_001407594.1, NM_001407596.1 and 5 more transcripts); c.5430G>T, p.Gln1810His (NM_001407610.1, NM_001407611.1, NM_001407612.1 and 14 more transcripts); c.5427G>T, p.Gln1809His (NM_001407627.1, NM_001407628.1, NM_001407629.1 and 13 more transcripts); c.5424G>T, p.Gln1808His (NM_001407644.1, NM_001407645.1); and 83 more; short protein forms A683S, Q707H, Q1811H, Q1764H, Q1832H, A1740S, A1746S, Q1514H.
Identifiers: ClinVar variation 868486 (VCV000868486.3), dbSNP rs4438367, ClinGen allele CA10590564.